The following is an entry in ClinVar:

NM_004186.5(SEMA3F):c.967G>A (p.Val323Ile)

Gene: SEMA3F (semaphorin 3F; plus strand). Cytogenetic location: 3p21.31.
Variant type: single nucleotide variant.
Coding change: c.967G>A on transcript NM_004186.5 (MANE Select); coding-DNA position 967, G replaced by A.
Protein change: p.Val323Ile; replaces valine 323 with isoleucine.
Molecular consequence: missense variant.
Genome position (GRCh38, 1-based): chr3:50,182,967, G>A. VCF-style: chr3-50182967-G-A. GRCh37 (hg19) VCF-style: chr3-50220400-G-A.
Other names: c.670G>A, p.Val224Ile (NM_001318798.2); c.874G>A, p.Val292Ile (NM_001318800.2); short protein forms V224I, V292I, V323I.
Identifiers: ClinVar variation 3043435 (VCV003043435.2), dbSNP rs569937416, ClinGen allele CA2411974.
Genomic context (GRCh38, chr3:50,182,967, plus strand): 5'-GATGACGGTGGTCACTGTTGCCTGGTCAACAAGTGGAGCACATTCCTGAAGGCGCGGCTC[G>A]TCTGCTCTGTCCCGGGCGAGGATGGCATTGAGACTCACTTTGATGAGCTCCGTGAGTGCC-3'
Protein context (NP_004177.3, residues 313-333): KWSTFLKARL[Val323Ile]CSVPGEDGIE

ClinVar aggregate classification (germline): Likely benign (0 of 4 stars; one submission).

Conditions:
SEMA3F-related disorder. Also called: SEMA3F-related condition.

Allele frequency attached by ClinVar (database versions not stated): TOPMed 0.00007; gnomAD 0.00024; gnomAD exomes 0.00036; ExAC 0.00079; 1000 Genomes Project 0.00120; 1000 Genomes Project 30x 0.00125.

Submission:

PreventionGenetics, part of Exact Sciences
Classification: Likely benign for SEMA3F-related condition. Last evaluated: 2021-07-27. Review status: no assertion criteria provided. Collection method: clinical testing. Allele origin: germline.
Comment: This variant is classified as likely benign based on ACMG/AMP sequence variant interpretation guidelines (Richards et al. 2015 PMID: 25741868, with internal and published modifications).